The following is an entry in ClinVar:

NM_001261826.3(AP3D1):c.1250+3G>A

Gene: AP3D1 (adaptor related protein complex 3 subunit delta 1; minus strand). Cytogenetic location: 19p13.3.
Variant type: single nucleotide variant.
Coding change: c.1250+3G>A on transcript NM_001261826.3 (MANE Select); 3 bases into the intron after coding-DNA position 1250, G replaced by A.
Molecular consequence: intron variant.
Genome position (GRCh38, 1-based): chr19:2,121,160, C>T on the plus strand (G>A on the coding strand, the complement: AP3D1 is on the minus strand). VCF-style: chr19-2121160-C-T. GRCh37 (hg19) VCF-style: chr19-2121159-C-T.
Other names: c.1250+3G>A (NM_003938.8, NM_001374799.1).
Identifiers: ClinVar variation 2791453 (VCV002791453.3), dbSNP rs543097720, ClinGen allele CA9059383.

ClinVar aggregate classification (germline): Uncertain significance (1 of 4 stars; one submission).

Allele frequency attached by ClinVar (database versions not stated): gnomAD exomes below 0.00001; TOPMed below 0.00001; 1000 Genomes Project 30x 0.00016; 1000 Genomes Project 0.00020; ExAC 0.00001; gnomAD 0.00001.
gnomAD v4.1: 2 of 1,614,128 alleles (0.00012%); highest among the groups gnomAD compares: South Asian, 0.0022%; no homozygotes.

Submission:

Labcorp Genetics (formerly Invitae), Labcorp
Classification: Uncertain significance. Last evaluated: 2023-03-12. Review status: criteria provided, single submitter. Criteria: Invitae Variant Classification Sherloc (09022015). Collection method: clinical testing. Allele origin: germline.
Comment: In summary, the available evidence is currently insufficient to determine the role of this variant in disease. Therefore, it has been classified as a Variant of Uncertain Significance. Variants that disrupt the consensus splice site are a relatively common cause of aberrant splicing (PMID: 17576681, 9536098). Algorithms developed to predict the effect of sequence changes on RNA splicing suggest that this variant is not likely to affect RNA splicing. This variant has not been reported in the literature in individuals affected with AP3D1-related conditions. This variant is present in population databases (rs543097720, gnomAD 0.003%). This sequence change falls in intron 13 of the AP3D1 gene. It does not directly change the encoded amino acid sequence of the AP3D1 protein. It affects a nucleotide within the consensus splice site.

Literature cited by the submitters: PubMed 17576681; PubMed 9536098.